The following is an entry in ClinVar:

ClinVar aggregate classification (germline): Uncertain significance (1 of 4 stars; one submission).

Conditions:
Intellectual developmental disorder, X-linked 19. Also called: Intellectual disability, X-linked 19. Identifiers: Orphanet 777, MedGen C0796225, MONDO:0010447, OMIM 300844.
Coffin-Lowry syndrome (CLS). Also called: Mental retardation with osteocartilaginous abnormalities; COFFIN-LOWRY SYNDROME, MILD. Identifiers: Orphanet 192, MedGen C0265252, MONDO:0010561, OMIM 303600.

Submission:

Labcorp Genetics (formerly Invitae), Labcorp
Classification: Uncertain significance for Coffin-Lowry syndrome; Intellectual developmental disorder, X-linked 19. Last evaluated: 2025-07-02. Review status: criteria provided, single submitter. Criteria: Invitae Variant Classification Sherloc (09022015). Collection method: clinical testing. Allele origin: germline.
Comment: This sequence change falls in intron 19 of the RPS6KA3 gene. It does not directly change the encoded amino acid sequence of the RPS6KA3 protein. It affects a nucleotide within the consensus splice site. This variant is not present in population databases (gnomAD no frequency). This variant has not been reported in the literature in individuals affected with RPS6KA3-related conditions. Variants that disrupt the consensus splice site are a relatively common cause of aberrant splicing (PMID: 17576681, 9536098). Algorithms developed to predict the effect of sequence changes on RNA splicing suggest that this variant may disrupt the consensus splice site. In summary, the available evidence is currently insufficient to determine the role of this variant in disease. Therefore, it has been classified as a Variant of Uncertain Significance.

Literature cited by the submitters: PubMed 17576681; PubMed 9536098.

NM_004586.3(RPS6KA3):c.1841+5G>C

Gene: RPS6KA3 (ribosomal protein S6 kinase A3; minus strand). Cytogenetic location: Xp22.12.
Variant type: single nucleotide variant.
Coding change: c.1841+5G>C on transcript NM_004586.3 (MANE Select); 5 bases into the intron after coding-DNA position 1841, G replaced by C.
Molecular consequence: intron variant.
Genome position (GRCh38, 1-based): chrX:20,162,959, C>G on the plus strand (G>C on the coding strand, the complement: RPS6KA3 is on the minus strand). VCF-style: chrX-20162959-C-G. GRCh37 (hg19) VCF-style: chrX-20181077-C-G.
Other names: c.1757+5G>C (NM_001438340.1).
Identifiers: ClinVar variation 4785467 (VCV004785467.1).